The following is an entry in ClinVar:

NM_017950.4(CCDC40):c.697G>A (p.Asp233Asn)

Gene: CCDC40 (coiled-coil domain 40 molecular ruler complex subunit; plus strand). Cytogenetic location: 17q25.3.
Variant type: single nucleotide variant.
Coding change: c.697G>A on transcript NM_017950.4 (MANE Select); coding-DNA position 697, G replaced by A.
Protein change: p.Asp233Asn; replaces aspartic acid 233 with asparagine.
Molecular consequence: missense variant.
Genome position (GRCh38, 1-based): chr17:80,048,603, G>A. VCF-style: chr17-80048603-G-A. GRCh37 (hg19) VCF-style: chr17-78022402-G-A.
Other names: p.Asp233Asn; c.697G>A, p.Asp233Asn (NM_001243342.2, NM_001330508.2); short protein forms D233N.
Identifiers: ClinVar variation 583321 (VCV000583321.17), dbSNP rs201815496, ClinGen allele CA8813550.
Genomic context (GRCh38, chr17:80,048,603, plus strand): 5'-TCCAGCAGCTCCTCAATGGTGTCGCTGTCTCTCCCCCCAGTGATCCCCCCAGGGGTGCCC[G>A]ATGCCCACCCCAGGGAAGGAGACCTGCCAGTGTTCCAGGACCAGATCCAGCAGCCCAGCA-3'
Protein context (NP_060420.2, residues 223-243): QEPVIPPGVP[Asp233Asn]AHPREGDLPV

ClinVar aggregate classification (germline): Conflicting classifications of pathogenicity. Review status: criteria provided, conflicting classifications (1 of 4 stars). 5 submissions from 5 submitters: Uncertain significance (4); Likely benign (1). Last evaluated 2024-12-03.

Conditions:
Primary ciliary dyskinesia 15. Also called: CILIARY DYSKINESIA, PRIMARY, 15, WITH OR WITHOUT SITUS INVERSUS. Identifiers: Orphanet 244, MedGen C3151137, MONDO:0013435, OMIM 613808.
Primary ciliary dyskinesia. Also called: Ciliary dyskinesia. Identifiers: Orphanet 244, MedGen C0008780, MONDO:0016575, HP:0012265.

Allele frequency attached by ClinVar (database versions not stated): TOPMed 0.00015; gnomAD 0.00016 and 0.00017; ExAC 0.00022; gnomAD exomes 0.00022 and 0.00028.
gnomAD v4.1: 433 of 1,613,598 alleles (0.027%); highest among the groups gnomAD compares: Middle Eastern, 0.25%; no homozygotes.

Submissions (5):

Labcorp Genetics (formerly Invitae), Labcorp
Classification: Uncertain significance for Primary ciliary dyskinesia. Last evaluated: 2024-12-03. Review status: criteria provided, single submitter. Criteria: Invitae Variant Classification Sherloc (09022015). Collection method: clinical testing. Allele origin: germline.
Comment: This sequence change replaces aspartic acid, which is acidic and polar, with asparagine, which is neutral and polar, at codon 233 of the CCDC40 protein (p.Asp233Asn). This variant is present in population databases (rs201815496, gnomAD 0.04%). This missense change has been observed in individual(s) with clinical features of CCDC40-related conditions (PMID: 34768622). ClinVar contains an entry for this variant (Variation ID: 583321). An algorithm developed to predict the effect of missense changes on protein structure and function (PolyPhen-2) suggests that this variant¬†is likely to be tolerated. In summary, the available evidence is currently insufficient to determine the role of this variant in disease. Therefore, it has been classified as a Variant of Uncertain Significance.

Ambry Genetics
Classification: Likely benign for Primary ciliary dyskinesia. Last evaluated: 2023-12-05. Review status: criteria provided, single submitter. Criteria: Ambry Variant Classification Scheme 2023. Collection method: clinical testing. Allele origin: germline.

Mayo Clinic Laboratories, Mayo Clinic
Classification: Uncertain significance. Last evaluated: 2023-02-23. Review status: criteria provided, single submitter. Criteria: ACMG Guidelines, 2015. Collection method: clinical testing. Allele origin: germline. Observed: 1 variant allele.
Comment: BP4

Illumina Laboratory Services, Illumina
Classification: Uncertain significance for Primary ciliary dyskinesia 15. Last evaluated: 2018-01-12. Review status: criteria provided, single submitter. Criteria: ICSL Variant Classification Criteria 13 December 2019. Collection method: clinical testing. Allele origin: germline.

Breakthrough Genomics
Classification: Uncertain significance. Review status: criteria provided, single submitter. Criteria: ACMG Guidelines, 2015. Collection method: not provided. Allele origin: germline. Inheritance: Autosomal recessive inheritance. Affected: yes.

Literature cited by the submitters: PubMed 34768622 (cited by Labcorp Genetics (formerly Invitae), Labcorp and Mayo Clinic Laboratories, Mayo Clinic).